The following is an entry in ClinVar:

ClinVar aggregate classification (germline): Likely benign (0 of 4 stars; one submission).

Conditions:
FANCA-related disorder. Also called: FANCA-related condition.

Submission:

PreventionGenetics, part of Exact Sciences
Classification: Likely benign for FANCA-related condition. Last evaluated: 2024-07-31. Review status: no assertion criteria provided. Collection method: clinical testing. Allele origin: germline.
Comment: This variant is classified as likely benign based on ACMG/AMP sequence variant interpretation guidelines (Richards et al. 2015 PMID: 25741868, with internal and published modifications).

NM_000135.4(FANCA):c.893+930C>T

Gene: FANCA (FA complementation group A; minus strand). Cytogenetic location: 16q24.3.
Variant type: single nucleotide variant.
Coding change: c.893+930C>T on transcript NM_000135.4 (MANE Select); 930 bases into the intron after coding-DNA position 893, C replaced by T.
Molecular consequence: intron variant.
Genome position (GRCh38, 1-based): chr16:89,798,236, G>A on the plus strand (C>T on the coding strand, the complement: FANCA is on the minus strand). VCF-style: chr16-89798236-G-A. GRCh37 (hg19) VCF-style: chr16-89864644-G-A.
Other names: c.893+930C>T (NM_001286167.3).
Identifiers: ClinVar variation 3358637 (VCV003358637.1).
Genomic context (GRCh38, chr16:89,798,236, plus strand): 5'-CACAGAAAAAGTAGGTCTCCTGCAAGCCAGGAAGAGGGTCCTCACCAGAACCCAACCCTA[G>A]GGGCACCCTGACCTCCAACTTCCAGCCTCCACTGCTGTGAGAACACATCTGCCGTCCACA-3'